The following is an entry in ClinVar:

NM_015386.3(COG4):c.1195+8C>T

Gene: COG4 (component of oligomeric golgi complex 4; minus strand). Cytogenetic location: 16q22.1.
Variant type: single nucleotide variant.
Coding change: c.1195+8C>T on transcript NM_015386.3 (MANE Select); 8 bases into the intron after coding-DNA position 1195, C replaced by T.
Molecular consequence: intron variant.
Genome position (GRCh38, 1-based): chr16:70,500,950, G>A on the plus strand (C>T on the coding strand, the complement: COG4 is on the minus strand). VCF-style: chr16-70500950-G-A. GRCh37 (hg19) VCF-style: chr16-70534853-G-A.
Other names: c.1183+8C>T (NM_001195139.2); c.769+8C>T (NM_001365426.1).
Identifiers: ClinVar variation 320375 (VCV000320375.14), dbSNP rs80034177, ClinGen allele CA8144418.

ClinVar aggregate classification (germline): Benign. Review status: criteria provided, multiple submitters, no conflicts (2 of 4 stars). 4 submissions from 4 submitters: Benign (3). 1 of the submissions does not count toward it. Last evaluated 2026-01-22.

Conditions:
COG4-related disorder. Also called: COG4-related condition.
COG4-congenital disorder of glycosylation. Also called: CONGENITAL DISORDER OF GLYCOSYLATION, TYPE IIj; CDG IIj; COG4-CDG. Identifiers: Orphanet 263501, MedGen C4303552, MONDO:0013281, OMIM 613489.

Allele frequency attached by ClinVar (database versions not stated): gnomAD exomes 0.00792; ExAC 0.00948; gnomAD 0.03197 and 0.03426; ESP Exome Variant Server 0.03286; TOPMed 0.03498; 1000 Genomes Project 0.03554; 1000 Genomes Project 30x 0.03951.
gnomAD v4.1: 9,594 of 1,613,914 alleles (0.59%); highest among the groups gnomAD compares: African/African-American, 11%; 520 homozygotes.

Submissions (4):

Labcorp Genetics (formerly Invitae), Labcorp
Classification: Benign for COG4-congenital disorder of glycosylation. Last evaluated: 2026-01-22. Review status: criteria provided, single submitter. Criteria: Invitae Variant Classification Sherloc (09022015). Collection method: clinical testing. Allele origin: germline.

GeneDx
Classification: Benign. Last evaluated: 2016-02-23. Review status: criteria provided, single submitter. Criteria: GeneDx Variant Classification (06012015). Collection method: clinical testing. Allele origin: germline. Affected: yes.
Comment: This variant is considered likely benign or benign based on one or more of the following criteria: it is a conservative change, it occurs at a poorly conserved position in the protein, it is predicted to be benign by multiple in silico algorithms, and/or has population frequency not consistent with disease.

Breakthrough Genomics
Classification: Benign. Review status: criteria provided, single submitter. Criteria: ACMG Guidelines, 2015. Collection method: not provided. Allele origin: germline. Inheritance: Autosomal recessive inheritance. Affected: yes.

PreventionGenetics, part of Exact Sciences
Classification: Benign for COG4-related condition. Last evaluated: 2020-01-22. Review status: no assertion criteria provided. Collection method: clinical testing. Allele origin: germline. Not counted in ClinVar's aggregate classification.
Comment: This variant is classified as benign based on ACMG/AMP sequence variant interpretation guidelines (Richards et al. 2015 PMID: 25741868, with internal and published modifications).